The following is an entry in ClinVar:

NM_020166.5(MCCC1):c.916G>T (p.Ala306Ser)

Gene: MCCC1 (methylcrotonyl-CoA carboxylase subunit 1; minus strand). Cytogenetic location: 3q27.1.
Variant type: single nucleotide variant.
Coding change: c.916G>T on transcript NM_020166.5 (MANE Select); coding-DNA position 916, G replaced by T.
Protein change: p.Ala306Ser; replaces alanine 306 with serine.
Molecular consequence: missense variant. On other transcripts: non-coding transcript variant (2).
Genome position (GRCh38, 1-based): chr3:183,052,198, C>A on the plus strand (G>T on the coding strand, the complement: MCCC1 is on the minus strand). VCF-style: chr3-183052198-C-A. GRCh37 (hg19) VCF-style: chr3-182769986-C-A.
Other names: c.565G>T, p.Ala189Ser (NM_001293273.2); c.589G>T, p.Ala197Ser (NM_001363880.1); short protein forms A197S, A189S, A306S.
Identifiers: ClinVar variation 1361414 (VCV001361414.8), dbSNP rs1191290699, ClinGen allele CA355326608.

ClinVar aggregate classification (germline): Uncertain significance (1 of 4 stars; one submission).

Conditions:
3-methylcrotonyl-CoA carboxylase 1 deficiency (MCC1D). Also called: MCCD TYPE 1; METHYLCROTONYLGLYCINURIA TYPE I; MCC 1 deficiency; 3 Alpha methylcrotonylglycinuria 1. Identifiers: Orphanet 6, MedGen CN028786, MONDO:0008861, OMIM 210200.

Allele frequency attached by ClinVar (database versions not stated): gnomAD exomes below 0.00001; TOPMed 0.00001.

Submission:

Labcorp Genetics (formerly Invitae), Labcorp
Classification: Uncertain significance for 3-methylcrotonyl-CoA carboxylase 1 deficiency. Last evaluated: 2021-02-20. Review status: criteria provided, single submitter. Criteria: Invitae Variant Classification Sherloc (09022015). Collection method: clinical testing. Allele origin: germline.
Comment: This sequence change replaces alanine with serine at codon 306 of the MCCC1 protein (p.Ala306Ser). The alanine residue is highly conserved and there is a moderate physicochemical difference between alanine and serine. This variant is not present in population databases (ExAC no frequency). This variant has been observed in individual(s) with 3-methylcrotonyl-CoA carboxylase deficiency (Invitae). Algorithms developed to predict the effect of missense changes on protein structure and function (SIFT, PolyPhen-2, Align-GVGD) all suggest that this variant is likely to be disruptive, but these predictions have not been confirmed by published functional studies and their clinical significance is uncertain. In summary, the available evidence is currently insufficient to determine the role of this variant in disease. Therefore, it has been classified as a Variant of Uncertain Significance.